The following is an entry in ClinVar:

NM_000088.4(COL1A1):c.4276G>A (p.Val1426Met)

Gene: COL1A1 (collagen type I alpha 1 chain; minus strand). Cytogenetic location: 17q21.33.
Variant type: single nucleotide variant.
Coding change: c.4276G>A on transcript NM_000088.4 (MANE Select); coding-DNA position 4276, G replaced by A.
Protein change: p.Val1426Met; replaces valine 1426 with methionine.
Molecular consequence: missense variant.
Genome position (GRCh38, 1-based): chr17:50,185,621, C>T on the plus strand (G>A on the coding strand, the complement: COL1A1 is on the minus strand). VCF-style: chr17-50185621-C-T. GRCh37 (hg19) VCF-style: chr17-48262982-C-T.
Other names: short protein forms V1426M.
Identifiers: ClinVar variation 891522 (VCV000891522.4), dbSNP rs763025405, ClinGen allele CA8644192.

ClinVar aggregate classification (germline): Conflicting classifications of pathogenicity. Review status: criteria provided, conflicting classifications (1 of 4 stars). 3 submissions from 1 submitter: Uncertain significance (2); Likely benign (1). Last evaluated 2018-01-12.

Conditions:
Osteogenesis imperfecta (OI). Identifiers: Orphanet 666, MedGen C0029434, MeSH D010013, MONDO:0019019.
Ehlers-Danlos syndrome, arthrochalasia type. Also called: ARTHROCHALASIS MULTIPLEX CONGENITA; EDS VII, MUTANT PROCOLLAGEN TYPE; EDS VIIA; Ehlers-Danlos syndrome, arthrochalasia type, 1; Ehlers-Danlos syndrome, arthrochalasis type. Identifiers: Orphanet 1899, Orphanet 99875, Orphanet 99876, MedGen C4551623, MONDO:0007525, OMIM 130060.
Infantile cortical hyperostosis. Also called: Caffey Disease; Hyperostosis, Cortical, Congenital; P1PK BLOOD GROUP SYSTEM, P(2) PHENOTYPE. Identifiers: Orphanet 1310, MedGen C0020497, MONDO:0007244, OMIM 114000.

Allele frequency attached by ClinVar (database versions not stated): gnomAD exomes 0.00001; ExAC 0.00002.
gnomAD v4.1: 4 of 1,613,982 alleles (0.00025%); highest among the groups gnomAD compares: Non-Finnish European, 0.00034%; no homozygotes.

Submissions (3):

Illumina Laboratory Services, Illumina
Classification: Uncertain significance for Infantile cortical hyperostosis. Last evaluated: 2018-01-12. Review status: criteria provided, single submitter. Criteria: ICSL Variant Classification Criteria 13 December 2019. Collection method: clinical testing. Allele origin: germline.

Illumina Laboratory Services, Illumina
Classification: Likely benign for Ehlers-Danlos syndrome, arthrochalasia type. Last evaluated: 2018-01-12. Review status: criteria provided, single submitter. Criteria: ICSL Variant Classification Criteria 13 December 2019. Collection method: clinical testing. Allele origin: germline.
Comment: This variant was observed in the ICSL laboratory as part of a predisposition screen in an ostensibly healthy population. It had not been previously curated by ICSL or reported in the Human Gene Mutation Database (HGMD: prior to June 1st, 2018), and was therefore a candidate for classification through an automated scoring system. Utilizing variant allele frequency, disease prevalence and penetrance estimates, and inheritance mode, an automated score was calculated to assess if this variant is too frequent to cause the disease. Based on the score and internal cut-off values, a variant classified as likely benign is not then subjected to further curation. The score for this variant resulted in a classification of likely benign for this disease.

Illumina Laboratory Services, Illumina
Classification: Uncertain significance for Osteogenesis imperfecta. Last evaluated: 2018-01-12. Review status: criteria provided, single submitter. Criteria: ICSL Variant Classification Criteria 13 December 2019. Collection method: clinical testing. Allele origin: germline.